The following is an entry in ClinVar:

ClinVar aggregate classification (germline): Uncertain significance (1 of 4 stars; one submission).

Submission:

Labcorp Genetics (formerly Invitae), Labcorp
Classification: Uncertain significance. Last evaluated: 2023-10-13. Review status: criteria provided, single submitter. Criteria: Invitae Variant Classification Sherloc (09022015). Collection method: clinical testing. Allele origin: germline.
Comment: This variant results in a copy number gain of the genomic region encompassing exon(s) 9-59 of the KMT2C gene. This region includes the termination codon of the gene. This copy number gain extends beyond the assayed region for this gene and therefore may encompass additional genes. As the precise location of this event is unknown, it may be in tandem or it may be located elsewhere in the genome. This variant has not been reported in the literature in individuals affected with KMT2C-related conditions. In summary, the available evidence is currently insufficient to determine the role of this variant in disease. Therefore, it has been classified as a Variant of Uncertain Significance.

NC_000007.13:g.(?_151833917)_(151960235_?)dup

Gene: KMT2C (lysine methyltransferase 2C; minus strand). Cytogenetic location: 7q36.1.
Variant type: Duplication.
Identifiers: ClinVar variation 2427457 (VCV002427457.4).